The following is an entry in ClinVar:

ClinVar aggregate classification (germline): Uncertain significance. Review status: criteria provided, multiple submitters, no conflicts (2 of 4 stars). 5 submissions from 5 submitters: Uncertain significance (4). 1 of the submissions does not count toward it. Last evaluated 2024-05-13.

Conditions:
BBS9-related disorder. Also called: BBS9-related condition.
Inborn genetic diseases. Identifiers: MedGen C0950123, MeSH D030342.
Bardet-Biedl syndrome (BBS). Identifiers: Orphanet 110, MedGen C0752166, MONDO:0015229.
Bardet-Biedl syndrome 9 (BBS9). Identifiers: Orphanet 110, MedGen C1859567, MONDO:0014437, OMIM 615986.

Allele frequency attached by ClinVar (database versions not stated): ExAC 0.00001; gnomAD exomes 0.00002 and 0.00007; gnomAD 0.00004; TOPMed 0.00005.
gnomAD v4.1: 100 of 1,613,850 alleles (0.0062%); highest among the groups gnomAD compares: Non-Finnish European, 0.0079%; no homozygotes.

Submissions (5):

Blueprint Genetics
Classification: Uncertain significance. Last evaluated: 2024-05-13. Review status: criteria provided, single submitter. Criteria: ACMG Guidelines, 2015. Collection method: clinical testing. Allele origin: germline.

Labcorp Genetics (formerly Invitae), Labcorp
Classification: Uncertain significance for Bardet-Biedl syndrome. Last evaluated: 2024-05-06. Review status: criteria provided, single submitter. Criteria: Invitae Variant Classification Sherloc (09022015). Collection method: clinical testing. Allele origin: germline.
Comment: This sequence change replaces serine, which is neutral and polar, with glycine, which is neutral and non-polar, at codon 187 of the BBS9 protein (p.Ser187Gly). This variant is present in population databases (rs771447042, gnomAD 0.01%). This variant has not been reported in the literature in individuals affected with BBS9-related conditions. ClinVar contains an entry for this variant (Variation ID: 1397187). Advanced modeling of protein sequence and biophysical properties (such as structural, functional, and spatial information, amino acid conservation, physicochemical variation, residue mobility, and thermodynamic stability) performed at Invitae indicates that this missense variant is expected to disrupt BBS9 protein function with a positive predictive value of 80%. In summary, the available evidence is currently insufficient to determine the role of this variant in disease. Therefore, it has been classified as a Variant of Uncertain Significance.

Ambry Genetics
Classification: Uncertain significance for Inborn genetic diseases. Last evaluated: 2023-12-27. Review status: criteria provided, single submitter. Criteria: Ambry Variant Classification Scheme 2023. Collection method: clinical testing. Allele origin: germline.

Fulgent Genetics
Classification: Uncertain significance for Bardet-Biedl syndrome 9. Last evaluated: 2022-04-02. Review status: criteria provided, single submitter. Criteria: ACMG Guidelines, 2015. Collection method: clinical testing. Allele origin: unknown.

PreventionGenetics, part of Exact Sciences
Classification: Uncertain significance for BBS9-related condition. Last evaluated: 2024-05-31. Review status: no assertion criteria provided. Collection method: clinical testing. Allele origin: germline. Not counted in ClinVar's aggregate classification.
Comment: The BBS9 c.559A>G variant is predicted to result in the amino acid substitution p.Ser187Gly. To our knowledge, this variant has not been reported in the literature. This variant is reported in 0.012% of alleles in individuals of African descent in gnomAD. At this time, the clinical significance of this variant is uncertain due to the absence of conclusive functional and genetic evidence.

NM_198428.3(BBS9):c.559A>G (p.Ser187Gly)

Gene: BBS9 (Bardet-Biedl syndrome 9; plus strand). Cytogenetic location: 7p14.3.
Variant type: single nucleotide variant.
Coding change: c.559A>G on transcript NM_198428.3 (MANE Select); coding-DNA position 559, A replaced by G.
Protein change: p.Ser187Gly; replaces serine 187 with glycine.
Molecular consequence: missense variant. On other transcripts: non-coding transcript variant (3).
Genome position (GRCh38, 1-based): chr7:33,257,352, A>G. VCF-style: chr7-33257352-A-G. GRCh37 (hg19) VCF-style: chr7-33296964-A-G.
Other names: c.559A>G (NM_198428.2); c.559A>G, p.Ser187Gly (NM_001033604.2, NM_001033605.2, NM_001348036.1 and 5 more transcripts); c.193A>G, p.Ser65Gly (NM_001348037.3, NM_001348044.3, NM_001348045.3 and 1 more transcripts); c.286A>G, p.Ser96Gly (NM_001348038.3, NM_001348039.3); c.424A>G, p.Ser142Gly (NM_001348042.3); short protein forms S142G, S187G, S96G, S65G.
Identifiers: ClinVar variation 1397187 (VCV001397187.11), dbSNP rs771447042, ClinGen allele CA4214037.